The following is an entry in ClinVar:

NM_004247.4(EFTUD2):c.977T>C (p.Ile326Thr)

Gene: EFTUD2 (elongation factor Tu GTP binding domain containing 2; minus strand). Cytogenetic location: 17q21.31.
Variant type: single nucleotide variant.
Coding change: c.977T>C on transcript NM_004247.4 (MANE Select); coding-DNA position 977, T replaced by C.
Protein change: p.Ile326Thr; replaces isoleucine 326 with threonine.
Molecular consequence: missense variant.
Genome position (GRCh38, 1-based): chr17:44,872,463, A>G on the plus strand (T>C on the coding strand, the complement: EFTUD2 is on the minus strand). VCF-style: chr17-44872463-A-G. GRCh37 (hg19) VCF-style: chr17-42949831-A-G.
Other names: c.872T>C, p.Ile291Thr (NM_001142605.2); c.977T>C, p.Ile326Thr (NM_001258353.2); c.947T>C, p.Ile316Thr (NM_001258354.2); short protein forms I291T, I316T, I326T.
Identifiers: ClinVar variation 2633769 (VCV002633769.1), dbSNP rs2508796750, ClinGen allele CA399817980.

ClinVar aggregate classification (germline): Uncertain significance (1 of 4 stars; one submission).

Conditions:
EFTUD2-related disorder. Also called: EFTUD2-related condition.

Submission:

PreventionGenetics, part of Exact Sciences
Classification: Uncertain significance for EFTUD2-related condition. Last evaluated: 2023-02-26. Review status: criteria provided, single submitter. Criteria: ACMG Guidelines, 2015. Collection method: clinical testing. Allele origin: germline.
Comment: The EFTUD2 c.977T>C variant is predicted to result in the amino acid substitution p.Ile326Thr. To our knowledge, this variant has not been reported in the literature or in a large population database, indicating this variant is rare. At this time, the clinical significance of this variant is uncertain due to the absence of conclusive functional and genetic evidence.